The following is an entry in ClinVar:

NM_006088.6(TUBB4B):c.-18GCC[7]

Gene: TUBB4B (tubulin beta 4B class IVb; plus strand). Cytogenetic location: 9q34.3.
Variant type: Microsatellite.
Coding change: c.-18GCC[7] on transcript NM_006088.6 (MANE Select); seven copies in a row of the 3-base unit GCC starting at c.-18; the reference has five copies in a row; two copies, 6 bases duplicated.
Molecular consequence: 5 prime UTR variant.
Genome position (GRCh38, 1-based): chr9:137,241,352-137,241,357, GCCGCC duplicated; duplicating any 6 consecutive bases within chr9:137,241,341-137,241,357 gives the same sequence; the position shown is the placement nearest the transcript's 3' end. VCF-style (leftmost placement, unchanged base first): chr9-137241340-C-CCCGCCG. GRCh37 (hg19) VCF-style: chr9-140135792-C-CCCGCCG.
Identifiers: ClinVar variation 3045573 (VCV003045573.4), dbSNP rs370341505, ClinGen allele CA5365092.

ClinVar aggregate classification (germline): Likely benign. Review status: criteria provided, single submitter (1 of 4 stars). 2 submissions from 2 submitters: Likely benign (1). 1 of the submissions does not count toward it. Last evaluated 2026-04-01.

Conditions:
TUBB4B-related disorder. Also called: TUBB4B-related condition.

Submissions (2):

CeGaT Center for Human Genetics Tuebingen
Classification: Likely benign. Last evaluated: 2026-04-01. Review status: criteria provided, single submitter. Criteria: CeGaT Center For Human Genetics Tuebingen Variant Classification Criteria Version 2. Collection method: clinical testing. Allele origin: germline. Affected: yes. Observed: 1 variant allele.
Comment: TUBB4B: BP4, BS1

PreventionGenetics, part of Exact Sciences
Classification: Likely benign for TUBB4B-related condition. Last evaluated: 2024-01-08. Review status: no assertion criteria provided. Collection method: clinical testing. Allele origin: germline. Not counted in ClinVar's aggregate classification.
Comment: This variant is classified as likely benign based on ACMG/AMP sequence variant interpretation guidelines (Richards et al. 2015 PMID: 25741868, with internal and published modifications).